The following is an entry in ClinVar:

ClinVar aggregate classification (germline): Uncertain significance (1 of 4 stars; one submission).

Allele frequency attached by ClinVar (database versions not stated): TOPMed below 0.00001; gnomAD exomes 0.00001; ExAC 0.00002; ESP Exome Variant Server 0.00008.
gnomAD v4.1: 27 of 1,613,160 alleles (0.0017%); highest among the groups gnomAD compares: Non-Finnish European, 0.0022%; no homozygotes.

Submission:

Labcorp Genetics (formerly Invitae), Labcorp
Classification: Uncertain significance. Last evaluated: 2025-03-17. Review status: criteria provided, single submitter. Criteria: Invitae Variant Classification Sherloc (09022015). Collection method: clinical testing. Allele origin: germline.
Comment: This sequence change replaces glycine, which is neutral and non-polar, with valine, which is neutral and non-polar, at codon 856 of the WHRN protein (p.Gly856Val). This variant is present in population databases (rs371373433, gnomAD 0.002%). This variant has not been reported in the literature in individuals affected with WHRN-related conditions. ClinVar contains an entry for this variant (Variation ID: 1038011). An algorithm developed to predict the effect of missense changes on protein structure and function (PolyPhen-2) suggests that this variant is likely to be disruptive. In summary, the available evidence is currently insufficient to determine the role of this variant in disease. Therefore, it has been classified as a Variant of Uncertain Significance.

NM_015404.4(WHRN):c.2567G>T (p.Gly856Val)

Gene: WHRN (whirlin; minus strand). Cytogenetic location: 9q32.
Variant type: single nucleotide variant.
Coding change: c.2567G>T on transcript NM_015404.4 (MANE Select); coding-DNA position 2567, G replaced by T.
Protein change: p.Gly856Val; replaces glycine 856 with valine.
Molecular consequence: missense variant.
Genome position (GRCh38, 1-based): chr9:114,402,911, C>A on the plus strand (G>T on the coding strand, the complement: WHRN is on the minus strand). VCF-style: chr9-114402911-C-A. GRCh37 (hg19) VCF-style: chr9-117165191-C-A.
Other names: c.1418G>T, p.Gly473Val (NM_001083885.3); c.2564G>T, p.Gly855Val (NM_001173425.2); c.1514G>T, p.Gly505Val (NM_001346890.1); short protein forms G505V, G855V, G856V, G473V.
Identifiers: ClinVar variation 1038011 (VCV001038011.10), dbSNP rs371373433, ClinGen allele CA5205578.